The following is an entry in ClinVar:

ClinVar aggregate classification (germline): Uncertain significance. Review status: criteria provided, multiple submitters, no conflicts (2 of 4 stars). 2 submissions from 2 submitters: Uncertain significance (2). Last evaluated 2025-12-22.

Conditions:
Hereditary cancer-predisposing syndrome. Also called: Tumor predisposition; Hereditary Cancer Syndrome; Hereditary neoplastic syndrome; Neoplastic Syndromes, Hereditary. Identifiers: Orphanet 140162, MedGen C0027672, MeSH D009386, MONDO:0015356.
POLD1-related polyposis and colorectal cancer syndrome (CRCS10). Also called: Colorectal cancer 10; COLORECTAL CANCER, SUSCEPTIBILITY TO, ON CHROMOSOME 19q; Colorectal cancer, susceptibility to, 10. Identifiers: Orphanet 220460, MedGen C2675481, MONDO:0012953, OMIM 612591.

gnomAD v4.1: 1 of 1,613,402 alleles (0.000062%); highest among the groups gnomAD compares: Non-Finnish European, 0.000085%; no homozygotes.

Submissions (2):

Labcorp Genetics (formerly Invitae), Labcorp
Classification: Uncertain significance for POLD1-related polyposis and colorectal cancer syndrome. Last evaluated: 2025-12-22. Review status: criteria provided, single submitter. Criteria: Invitae Variant Classification Sherloc (09022015). Collection method: clinical testing. Allele origin: germline.
Comment: This sequence change replaces leucine, which is neutral and non-polar, with valine, which is neutral and non-polar, at codon 691 of the POLD1 protein (p.Leu691Val). This variant is not present in population databases (gnomAD no frequency). This variant has not been reported in the literature in individuals affected with POLD1-related conditions. ClinVar contains an entry for this variant (Variation ID: 847231). Invitae Evidence Modeling of protein sequence and biophysical properties (such as structural, functional, and spatial information, amino acid conservation, physicochemical variation, residue mobility, and thermodynamic stability) indicates that this missense variant is not expected to disrupt POLD1 protein function with a negative predictive value of 80%. In summary, the available evidence is currently insufficient to determine the role of this variant in disease. Therefore, it has been classified as a Variant of Uncertain Significance.

Ambry Genetics
Classification: Uncertain significance for Hereditary cancer-predisposing syndrome. Last evaluated: 2024-02-28. Review status: criteria provided, single submitter. Criteria: Ambry Variant Classification Scheme 2023. Collection method: clinical testing. Allele origin: germline.
Comment: The p.L691V variant (also known as c.2071C>G), located in coding exon 16 of the POLD1 gene, results from a C to G substitution at nucleotide position 2071. The leucine at codon 691 is replaced by valine, an amino acid with highly similar properties. This amino acid position is conserved. In addition, the in silico prediction for this alteration is inconclusive. Since supporting evidence is limited at this time, the clinical significance of this alteration remains unclear.

NM_002691.4(POLD1):c.2071C>G (p.Leu691Val)

Gene: POLD1 (DNA polymerase delta 1, catalytic subunit; plus strand). Cytogenetic location: 19q13.33.
Variant type: single nucleotide variant.
Coding change: c.2071C>G on transcript NM_002691.4 (MANE Select); coding-DNA position 2071, C replaced by G.
Protein change: p.Leu691Val; replaces leucine 691 with valine.
Molecular consequence: missense variant. On other transcripts: non-coding transcript variant (1).
Genome position (GRCh38, 1-based): chr19:50,409,583, C>G. VCF-style: chr19-50409583-C-G. GRCh37 (hg19) VCF-style: chr19-50912840-C-G.
Other names: c.2071C>G, p.Leu691Val (NM_001256849.1); c.2149C>G, p.Leu717Val (NM_001308632.1); short protein forms L717V, L691V.
Identifiers: ClinVar variation 847231 (VCV000847231.12), dbSNP rs2039021984, ClinGen allele CA406982562.
Genomic context (GRCh38, chr19:50,409,583, plus strand): 5'-AAGGCCGAGCTGGCCAAGGAGACAGACCCCCTCCGGCGCCAGGTCCTGGATGGACGGCAG[C>G]TGGCGCTGAAGGTGAGCGCCAACTCCGTATACGGCTTCACTGGCGCCCAGGTGGGCAAGT-3'
Protein context (NP_002682.2, residues 681-701): LRRQVLDGRQ[Leu691Val]ALKVSANSVY